The following is an entry in ClinVar:

NM_170665.4(ATP2A2):c.2560del (p.Trp854fs)

Genes: ATP2A2 (ATPase sarcoplasmic/endoplasmic reticulum Ca2+ transporting 2; plus strand), LOC126861638 (MED14-independent group 3 enhancer GRCh37_chr12:110782389-110783588; plus strand). Cytogenetic location: 12q24.11.
Variant type: Deletion.
Coding change: c.2560del on transcript NM_170665.4 (MANE Select); coding-DNA position 2560, one base deleted (T; older notation c.2560delT).
Protein change: p.Trp854fs; shifts the reading frame from tryptophan 854.
Molecular consequence: frameshift variant.
Genome position (GRCh38, 1-based): chr12:110,344,924, T deleted. VCF-style (leftmost placement, unchanged base first): chr12-110344923-GT-G. GRCh37 (hg19) VCF-style: chr12-110782728-GT-G.
Other names: c.2560delT (NM_001681.3); c.2560del, p.Trp854fs (NM_001681.4); short protein forms W854fs.
Identifiers: ClinVar variation 1323820 (VCV001323820.5), dbSNP rs2137870396, ClinGen allele CA2573053600.

ClinVar aggregate classification (germline): Pathogenic. Review status: criteria provided, single submitter (1 of 4 stars). 2 submissions from 2 submitters: Pathogenic (1). 1 of the submissions does not count toward it. Last evaluated 2019-09-16.

Conditions:
ATP2A2-related disorder. Also called: ATP2A2-related condition; ATP2A2-Related Disorders.

Submissions (2):

Revvity Omics, Revvity
Classification: Pathogenic. Last evaluated: 2019-09-16. Review status: criteria provided, single submitter. Criteria: ACMG Guidelines, 2015. Collection method: clinical testing. Allele origin: germline.

PreventionGenetics, part of Exact Sciences
Classification: Pathogenic for ATP2A2-related condition. Last evaluated: 2024-05-02. Review status: no assertion criteria provided. Collection method: clinical testing. Allele origin: germline. Not counted in ClinVar's aggregate classification.
Comment: The ATP2A2 c.2560delT variant is predicted to result in a frameshift and premature protein termination (p.Trp854Glyfs*16). To our knowledge, this variant has not been reported in the literature. This variant has not been reported in a large population database, indicating this variant is rare. Frameshift variants in ATP2A2 are expected to be pathogenic. This variant is interpreted as pathogenic.